The following is an entry in ClinVar:

NM_212482.4(FN1):c.1626C>T (p.Asn542=)

Genes: FN1 (fibronectin 1; minus strand), LOC122861289 (Sharpr-MPRA regulatory region 10603; plus strand). Cytogenetic location: 2q35.
Variant type: single nucleotide variant.
Coding change: c.1626C>T on transcript NM_212482.4 (MANE Select); coding-DNA position 1626, C replaced by T.
Protein change: p.Asn542=; no amino-acid change (asparagine 542 retained).
Molecular consequence: synonymous variant.
Genome position (GRCh38, 1-based): chr2:215,420,722, G>A on the plus strand (C>T on the coding strand, the complement: FN1 is on the minus strand). VCF-style: chr2-215420722-G-A. GRCh37 (hg19) VCF-style: chr2-216285445-G-A.
Other names: c.1626C>T, p.Asn542= (NM_001306129.2, NM_001306130.2, NM_001306131.2 and 14 more transcripts).
Identifiers: ClinVar variation 752916 (VCV000752916.37), dbSNP rs138144264, ClinGen allele CA2095230.
Genomic context (GRCh38, chr2:215,420,722, plus strand): 5'-GGGCTACTCACCGACGGGATCACACTTCCACCTGCCCCGACCCTGACCGAAGCATGTACA[G>A]TTCAGCATGTGCCCCTCTTCATGACGCTTGTGGAATGTGTCGTTCACATTGTAAGTGATG-3'
Protein context (NP_997647.2, residues 532-552): HKRHEEGHML[Asn542=]CTCFGQGRGR

ClinVar aggregate classification (germline): Benign/Likely benign. Review status: criteria provided, multiple submitters, no conflicts (2 of 4 stars). 5 submissions from 5 submitters: Benign (1); Likely benign (3). 1 of the submissions does not count toward it. Last evaluated 2026-02-01.

Conditions:
Spondylometaphyseal dysplasia - Sutcliffe type. Also called: Sutcliffe type of spondylometaphyseal dysplasia; Sutcliffe SMD; Spondylometaphyseal Dysplasia, Corner Fracture Type; Spondylometaphyseal dysplasia, 'corner fracture' type. Identifiers: Orphanet 93315, MedGen C0432221, MONDO:0008479, OMIM 184255.
Glomerulopathy with fibronectin deposits 2 (GFND2). Identifiers: Orphanet 84090, MedGen C1866075, MONDO:0011165, OMIM 601894.
FN1-related disorder. Also called: FN1-related condition.

Allele frequency attached by ClinVar (database versions not stated): 1000 Genomes Project 0.00020; 1000 Genomes Project 30x 0.00031; ESP Exome Variant Server 0.00069; TOPMed 0.00073; gnomAD 0.00080; gnomAD exomes 0.00088 and 0.00103; ExAC 0.00121.
gnomAD v4.1: 1,459 of 1,614,138 alleles (0.09%); highest among the groups gnomAD compares: Middle Eastern, 0.58%; 3 homozygotes.

Submissions (5):

Labcorp Genetics (formerly Invitae), Labcorp
Classification: Benign. Last evaluated: 2026-02-01. Review status: criteria provided, single submitter. Criteria: Invitae Variant Classification Sherloc (09022015). Collection method: clinical testing. Allele origin: germline.

CeGaT Center for Human Genetics Tuebingen
Classification: Likely benign. Last evaluated: 2025-10-01. Review status: criteria provided, single submitter. Criteria: CeGaT Center For Human Genetics Tuebingen Variant Classification Criteria Version 2. Collection method: clinical testing. Allele origin: germline. Affected: yes. Observed: 3 variant alleles.
Comment: FN1: BP4, BP7

Blueprint Genetics
Classification: Likely benign. Last evaluated: 2024-10-16. Review status: criteria provided, single submitter. Criteria: ACMG Guidelines, 2015. Collection method: clinical testing. Allele origin: germline.

Fulgent Genetics
Classification: Likely benign for Spondylometaphyseal dysplasia - Sutcliffe type; Glomerulopathy with fibronectin deposits 2. Last evaluated: 2021-07-28. Review status: criteria provided, single submitter. Criteria: ACMG Guidelines, 2015. Collection method: clinical testing. Allele origin: unknown.

PreventionGenetics, part of Exact Sciences
Classification: Likely benign for FN1-related condition. Last evaluated: 2024-03-11. Review status: no assertion criteria provided. Collection method: clinical testing. Allele origin: germline. Not counted in ClinVar's aggregate classification.
Comment: This variant is classified as likely benign based on ACMG/AMP sequence variant interpretation guidelines (Richards et al. 2015 PMID: 25741868, with internal and published modifications).